The following is an entry in ClinVar:

ClinVar aggregate classification (germline): Uncertain significance (1 of 4 stars; one submission).

Submission:

GeneDx
Classification: Uncertain significance. Last evaluated: 2023-01-06. Review status: criteria provided, single submitter. Criteria: GeneDx Variant Classification Process June 2021. Collection method: clinical testing. Allele origin: germline. Affected: yes.
Comment: Not observed at significant frequency in large population cohorts (gnomAD); In silico analysis supports that this missense variant does not alter protein structure/function; Has not been previously published as pathogenic or benign to our knowledge; In silico analysis suggests this variant may impact gene splicing. In the absence of RNA/functional studies, the actual effect of this sequence change is unknown.

NM_138615.3(DHX30):c.451G>T (p.Asp151Tyr)

Gene: DHX30 (DExH-box helicase 30; plus strand). Cytogenetic location: 3p21.31.
Variant type: single nucleotide variant.
Coding change: c.451G>T on transcript NM_138615.3 (MANE Select); coding-DNA position 451, G replaced by T.
Protein change: p.Asp151Tyr; replaces aspartic acid 151 with tyrosine.
Molecular consequence: missense variant.
Genome position (GRCh38, 1-based): chr3:47,840,961, G>T. VCF-style: chr3-47840961-G-T. GRCh37 (hg19) VCF-style: chr3-47882451-G-T.
Other names: c.367G>T, p.Asp123Tyr (NM_001330990.2); c.334G>T, p.Asp112Tyr (NM_014966.4); short protein forms D112Y, D123Y, D151Y.
Identifiers: ClinVar variation 2571903 (VCV002571903.1), dbSNP rs1421998947, ClinGen allele CA352583032.
Genomic context (GRCh38, chr3:47,840,961, plus strand): 5'-AATGAGTTGTTTGACGCAGCCAAATACCGAGTGCTAGCTGATCGCTTTGGCTCCCCTGCC[G>T]ACAGCTGGTGGCGTCCGGAACCCACCATGCCCCCTACTTCCTGGCGGCAGCTGAATCCAG-3'
Protein context (NP_619520.1, residues 141-161): VLADRFGSPA[Asp151Tyr]SWWRPEPTMP